The following is an entry in ClinVar:

NM_001082486.2(ACD):c.479C>T (p.Thr160Ile)

Gene: ACD (ACD shelterin complex subunit and telomerase recruitment factor; minus strand). Cytogenetic location: 16q22.1.
Variant type: single nucleotide variant.
Coding change: c.479C>T on transcript NM_001082486.2 (MANE Select); coding-DNA position 479, C replaced by T.
Protein change: p.Thr160Ile; replaces threonine 160 with isoleucine.
Molecular consequence: missense variant.
Genome position (GRCh38, 1-based): chr16:67,659,243, G>A on the plus strand (C>T on the coding strand, the complement: ACD is on the minus strand). VCF-style: chr16-67659243-G-A. GRCh37 (hg19) VCF-style: chr16-67693146-G-A.
Other names: c.479C>T, p.Thr160Ile (NM_001410884.1); c.470C>T, p.Thr157Ile (NM_022914.3); short protein forms T160I, T157I.
Identifiers: ClinVar variation 2447151 (VCV002447151.2), dbSNP rs1210593650, ClinGen allele CA396354568.
Genomic context (GRCh38, chr16:67,659,243, plus strand): 5'-GATCACTGCACAGCGTGTTAGGATCACTGGTCAAGCTCTACAGTACCTGCATTGGACGAG[G>A]TGGACTCTGAAAGGTGCTCCCTACAGGAAGAGAGTGGCCAGGACTCAGGAACCATGCTGA-3'
Protein context (NP_001075955.2, residues 150-170): DCLEEHLSES[Thr160Ile]SSNAGLSLSQ

ClinVar aggregate classification (germline): Uncertain significance (1 of 4 stars; one submission).

Conditions:
Inborn genetic diseases. Identifiers: MedGen C0950123, MeSH D030342.

Allele frequency attached by ClinVar (database versions not stated): TOPMed below 0.00001; gnomAD exomes 0.00001.

Submission:

Ambry Genetics
Classification: Uncertain significance for Inborn genetic diseases. Last evaluated: 2023-01-22. Review status: criteria provided, single submitter. Criteria: Ambry Variant Classification Scheme 2023. Collection method: clinical testing. Allele origin: germline.
Comment: The p.T246I variant (also known as c.737C>T), located in coding exon 6 of the ACD gene, results from a C to T substitution at nucleotide position 737. The threonine at codon 246 is replaced by isoleucine, an amino acid with similar properties. This amino acid position is conserved. In addition, this alteration is predicted to be tolerated by in silico analysis. Since supporting evidence is limited at this time, the clinical significance of this alteration remains unclear.